The following is an entry in ClinVar:

NM_001376.5(DYNC1H1):c.10993G>A (p.Gly3665Arg)

Gene: DYNC1H1 (dynein cytoplasmic 1 heavy chain 1; plus strand). Cytogenetic location: 14q32.31.
Variant type: single nucleotide variant.
Coding change: c.10993G>A on transcript NM_001376.5 (MANE Select); coding-DNA position 10993, G replaced by A.
Protein change: p.Gly3665Arg; replaces glycine 3665 with arginine.
Molecular consequence: missense variant.
Genome position (GRCh38, 1-based): chr14:102,038,544, G>A. VCF-style: chr14-102038544-G-A. GRCh37 (hg19) VCF-style: chr14-102504881-G-A.
Other names: c.10993G>A (NM_001376.4); short protein forms G3665R.
Identifiers: ClinVar variation 1406032 (VCV001406032.10), dbSNP rs2152594732, ClinGen allele CA391031658.
Genomic context (GRCh38, chr14:102,038,544, plus strand): 5'-TTGAACCCGGTGCTGAACCGTGAAGTGCGGCGAACAGGGGGGAGAGTGCTGATCACTCTC[G>A]GGGACCAGGACATAGACCTGTCGCCATCGTTTGTCATCTTCCTGTCCACCCGGGATCCAA-3'
Protein context (NP_001367.2, residues 3655-3675): RTGGRVLITL[Gly3665Arg]DQDIDLSPSF

ClinVar aggregate classification (germline): Uncertain significance. Review status: criteria provided, multiple submitters, no conflicts (2 of 4 stars). 2 submissions from 2 submitters: Uncertain significance (2). Last evaluated 2025-11-04.

Conditions:
Charcot-Marie-Tooth disease axonal type 2O. Also called: Charcot-Marie-Tooth Neuropathy Type 2O; CHARCOT-MARIE-TOOTH NEUROPATHY, AXONAL, TYPE 2O; CHARCOT-MARIE-TOOTH DISEASE, AXONAL, AUTOSOMAL DOMINANT, TYPE 2O; Charcot-Marie-Tooth disease, axonal, type 20. Identifiers: Orphanet 284232, MedGen C3280220, MONDO:0013644, OMIM 614228.

gnomAD v4.1: 1 of 1,614,102 alleles (0.000062%); highest among the groups gnomAD compares: Non-Finnish European, 0.000085%; no homozygotes.

Submissions (2):

Labcorp Genetics (formerly Invitae), Labcorp
Classification: Uncertain significance for Charcot-Marie-Tooth disease axonal type 2O. Last evaluated: 2025-11-04. Review status: criteria provided, single submitter. Criteria: Invitae Variant Classification Sherloc (09022015). Collection method: clinical testing. Allele origin: germline.
Comment: This sequence change replaces glycine, which is neutral and non-polar, with arginine, which is basic and polar, at codon 3665 of the DYNC1H1 protein (p.Gly3665Arg). This variant is not present in population databases (gnomAD no frequency). This variant has not been reported in the literature in individuals affected with DYNC1H1-related conditions. ClinVar contains an entry for this variant (Variation ID: 1406032). Invitae Evidence Modeling of protein sequence and biophysical properties (such as structural, functional, and spatial information, amino acid conservation, physicochemical variation, residue mobility, and thermodynamic stability) indicates that this missense variant is expected to disrupt DYNC1H1 protein function with a positive predictive value of 95%. In summary, the available evidence is currently insufficient to determine the role of this variant in disease. Therefore, it has been classified as a Variant of Uncertain Significance.

GeneDx
Classification: Uncertain significance. Last evaluated: 2024-03-12. Review status: criteria provided, single submitter. Criteria: GeneDx Variant Classification Process June 2021. Collection method: clinical testing. Allele origin: germline. Affected: yes.
Comment: Not observed at significant frequency in large population cohorts (gnomAD); In silico analysis supports that this missense variant has a deleterious effect on protein structure/function; Has not been previously published as pathogenic or benign to our knowledge; This variant is associated with the following publications: (PMID: 25512093, 25609763, 26100331)